The following is an entry in ClinVar:

ClinVar aggregate classification (germline): Uncertain significance (1 of 4 stars; one submission).

Conditions:
Thrombomodulin-related bleeding disorder (THPH12). Also called: Thrombophilia due to thrombomodulin defect. Identifiers: Orphanet 436169, MedGen C3280976, MONDO:0013775, OMIM 614486.

gnomAD v4.1: 6 of 1,613,904 alleles (0.00037%); highest among the groups gnomAD compares: East Asian, 0.0022%; no homozygotes.

Submission:

Genomenon, Inc
Classification: Uncertain significance for Thrombomodulin-related bleeding disorder. Last evaluated: 2025-09-22. Review status: criteria provided, single submitter. Criteria: Genomenon Sequence Variant Interpretation Standards - Updated. Collection method: curation. Allele origin: germline. Affected: no.
Comment: THBD p.Glu446Lys (c.1336G>A) is a missense variant that changes the amino acid at residue 446 from Glutamic acid to Lysine. This variant has been reported in the published literature (PMID:27064621). It is absent or not present at a significant frequency in gnomAD. In silico models agree that this variant is not damaging. In conclusion, we classify THBD p.Glu446Lys (c.1336G>A) as a variant of unknown significance.

Literature cited by the submitters: PubMed 27064621.

NM_000361.3(THBD):c.1336G>A (p.Glu446Lys)

Gene: THBD (thrombomodulin; minus strand). Cytogenetic location: 20p11.21.
Variant type: single nucleotide variant.
Coding change: c.1336G>A on transcript NM_000361.3 (MANE Select); coding-DNA position 1336, G replaced by A.
Protein change: p.Glu446Lys; replaces glutamic acid 446 with lysine.
Molecular consequence: missense variant.
Genome position (GRCh38, 1-based): chr20:23,048,169, C>T on the plus strand (G>A on the coding strand, the complement: THBD is on the minus strand). VCF-style: chr20-23048169-C-T. GRCh37 (hg19) VCF-style: chr20-23028806-C-T.
Other names: short protein forms E446K.
Identifiers: ClinVar variation 4280555 (VCV004280555.1).